The following is an entry in ClinVar:

ClinVar aggregate classification (germline): Uncertain significance. Review status: criteria provided, multiple submitters, no conflicts (2 of 4 stars). 2 submissions from 2 submitters: Uncertain significance (2). Last evaluated 2025-10-28.

gnomAD v4.1: 12 of 1,612,484 alleles (0.00074%); highest among the groups gnomAD compares: African/African-American, 0.004%; no homozygotes.

Submissions (2):

Labcorp Genetics (formerly Invitae), Labcorp
Classification: Uncertain significance. Last evaluated: 2025-10-28. Review status: criteria provided, single submitter. Criteria: Invitae Variant Classification Sherloc (09022015). Collection method: clinical testing. Allele origin: germline.
Comment: This sequence change replaces threonine, which is neutral and polar, with methionine, which is neutral and non-polar, at codon 2423 of the FBN3 protein (p.Thr2423Met). This variant is not present in population databases (gnomAD no frequency). This variant has not been reported in the literature in individuals affected with FBN3-related conditions. ClinVar contains an entry for this variant (Variation ID: 4023481). Invitae Evidence Modeling of protein sequence and biophysical properties (such as structural, functional, and spatial information, amino acid conservation, physicochemical variation, residue mobility, and thermodynamic stability) indicates that this missense variant is expected to disrupt FBN3 protein function with a positive predictive value of 80%. In summary, the available evidence is currently insufficient to determine the role of this variant in disease. Therefore, it has been classified as a Variant of Uncertain Significance.

Ambry Genetics
Classification: Uncertain significance. Last evaluated: 2025-04-11. Review status: criteria provided, single submitter. Criteria: Ambry Variant Classification Scheme 2023. Collection method: clinical testing. Allele origin: germline.

NM_032447.5(FBN3):c.7268C>T (p.Thr2423Met)

Gene: FBN3 (fibrillin 3; minus strand). Cytogenetic location: 19p13.2.
Variant type: single nucleotide variant.
Coding change: c.7268C>T on transcript NM_032447.5 (MANE Select); coding-DNA position 7268, C replaced by T.
Protein change: p.Thr2423Met; replaces threonine 2423 with methionine.
Molecular consequence: missense variant.
Genome position (GRCh38, 1-based): chr19:8,081,426, G>A on the plus strand (C>T on the coding strand, the complement: FBN3 is on the minus strand). VCF-style: chr19-8081426-G-A. GRCh37 (hg19) VCF-style: chr19-8146310-G-A.
Other names: c.7268C>T, p.Thr2423Met (NM_001321431.2); short protein forms T2423M.
Identifiers: ClinVar variation 4023481 (VCV004023481.2).